The following is an entry in ClinVar:

NM_015662.3(IFT172):c.4436A>G (p.Asn1479Ser)

Gene: IFT172 (intraflagellar transport 172; minus strand). Cytogenetic location: 2p23.3.
Variant type: single nucleotide variant.
Coding change: c.4436A>G on transcript NM_015662.3 (MANE Select); coding-DNA position 4436, A replaced by G.
Protein change: p.Asn1479Ser; replaces asparagine 1479 with serine.
Molecular consequence: missense variant.
Genome position (GRCh38, 1-based): chr2:27,447,915, T>C on the plus strand (A>G on the coding strand, the complement: IFT172 is on the minus strand). VCF-style: chr2-27447915-T-C. GRCh37 (hg19) VCF-style: chr2-27670782-T-C.
Other names: c.4436A>G (NM_015662.2); short protein forms N1479S.
Identifiers: ClinVar variation 1423595 (VCV001423595.7), dbSNP rs757946737, ClinGen allele CA1579603.

ClinVar aggregate classification (germline): Uncertain significance. Review status: criteria provided, multiple submitters, no conflicts (2 of 4 stars). 3 submissions from 3 submitters: Uncertain significance (3). Last evaluated 2025-04-27.

Conditions:
Retinitis pigmentosa 71 (RP71). Identifiers: Orphanet 791, MedGen C4225342, MONDO:0014618, OMIM 616394.
Short-rib thoracic dysplasia 10 with or without polydactyly (SRTD10). Identifiers: Orphanet 474, MedGen C3810175, MONDO:0014284, OMIM 615630.

Allele frequency attached by ClinVar (database versions not stated): gnomAD exomes 0.00001; ExAC 0.00002; gnomAD 0.00005; TOPMed 0.00005.
gnomAD v4.1: 20 of 1,601,832 alleles (0.0012%); highest among the groups gnomAD compares: African/African-American, 0.011%; no homozygotes.

Submissions (3):

Labcorp Genetics (formerly Invitae), Labcorp
Classification: Uncertain significance for Retinitis pigmentosa 71; Short-rib thoracic dysplasia 10 with or without polydactyly. Last evaluated: 2025-04-27. Review status: criteria provided, single submitter. Criteria: Invitae Variant Classification Sherloc (09022015). Collection method: clinical testing. Allele origin: germline.
Comment: This sequence change replaces asparagine, which is neutral and polar, with serine, which is neutral and polar, at codon 1479 of the IFT172 protein (p.Asn1479Ser). This variant is present in population databases (rs757946737, gnomAD 0.01%). This variant has not been reported in the literature in individuals affected with IFT172-related conditions. ClinVar contains an entry for this variant (Variation ID: 1423595). Invitae Evidence Modeling of protein sequence and biophysical properties (such as structural, functional, and spatial information, amino acid conservation, physicochemical variation, residue mobility, and thermodynamic stability) indicates that this missense variant is not expected to disrupt IFT172 protein function with a negative predictive value of 95%. In summary, the available evidence is currently insufficient to determine the role of this variant in disease. Therefore, it has been classified as a Variant of Uncertain Significance.

GeneDx
Classification: Uncertain significance. Last evaluated: 2024-06-28. Review status: criteria provided, single submitter. Criteria: GeneDx Variant Classification Process June 2021. Collection method: clinical testing. Allele origin: germline. Affected: yes.
Comment: Observed in large population cohorts (gnomAD; internal data); In silico analysis supports that this missense variant has a deleterious effect on protein structure/function; Has not been previously published as pathogenic or benign to our knowledge

Blueprint Genetics
Classification: Uncertain significance. Last evaluated: 2019-03-04. Review status: criteria provided, single submitter. Criteria: ACMG Guidelines, 2015. Collection method: clinical testing. Allele origin: germline.